The following is an entry in ClinVar:

NM_133433.4(NIPBL):c.700_705del (p.His234_His235del)

Gene: NIPBL (NIPBL cohesin loading factor; plus strand). Cytogenetic location: 5p13.2.
Variant type: Deletion.
Coding change: c.700_705del on transcript NM_133433.4 (MANE Select); coding-DNA positions 700 to 705, 6 bases deleted (CATCAT; older notation c.700_705delCATCAT).
Protein change: p.His234_His235del.
Molecular consequence: inframe deletion.
Genome position (GRCh38, 1-based): chr5:36,970,965-36,970,970, CATCAT deleted; deleting any 6 consecutive bases within chr5:36,970,963-36,970,970 gives the same sequence; the c. name uses the placement nearest the transcript's 3' end. VCF-style (leftmost placement, unchanged base first): chr5-36970962-AATCATC-A. GRCh37 (hg19) VCF-style: chr5-36971064-AATCATC-A.
Other names: c.700_705del6 (NM_133433.3); c.700_705del, p.His234_His235del (NM_015384.5).
Identifiers: ClinVar variation 1190663 (VCV001190663.3), dbSNP rs779093227, ClinGen allele CA3235902.

ClinVar aggregate classification (germline): Conflicting classifications of pathogenicity. Review status: criteria provided, conflicting classifications (1 of 4 stars). 2 submissions from 2 submitters: Uncertain significance (1); Likely benign (1). Last evaluated 2024-12-17.

Conditions:
NIPBL-related disorder. Also called: NIPBL-related condition.

Submissions (2):

PreventionGenetics, part of Exact Sciences
Classification: Uncertain significance for NIPBL-related condition. Last evaluated: 2024-12-17. Review status: criteria provided, single submitter. Criteria: ACMG Guidelines, 2015. Collection method: clinical testing. Allele origin: germline.
Comment: The NIPBL c.700_705del6 variant is predicted to result in an in-frame deletion (p.His234_His235del). To our knowledge, this variant has not been reported in the literature. This variant is reported in 0.0087% of alleles in individuals of Latino descent in gnomAD. At this time, the clinical significance of this variant is uncertain due to the absence of conclusive functional and genetic evidence.

GeneDx
Classification: Likely benign. Last evaluated: 2020-03-19. Review status: criteria provided, single submitter. Criteria: GeneDx Variant Classification Process June 2021. Collection method: clinical testing. Allele origin: germline. Affected: yes.
Comment: In-frame deletion of 2 amino acids in a non-repeat region; In silico analysis, which includes protein predictors and evolutionary conservation, supports a deleterious effect; Has not been previously published as pathogenic or benign to our knowledge